The following is an entry in ClinVar:

NM_000091.5(COL4A3):c.4349G>A (p.Arg1450Gln)

Genes: COL4A3 (collagen type IV alpha 3 chain; plus strand), MFF-DT (MFF divergent transcript; minus strand). Cytogenetic location: 2q36.3.
Variant type: single nucleotide variant.
Coding change: c.4349G>A on transcript NM_000091.5 (MANE Select); coding-DNA position 4349, G replaced by A.
Protein change: p.Arg1450Gln; replaces arginine 1450 with glutamine.
Molecular consequence: missense variant.
Genome position (GRCh38, 1-based): chr2:227,307,806, G>A. VCF-style: chr2-227307806-G-A. GRCh37 (hg19) VCF-style: chr2-228172522-G-A.
Other names: short protein forms R1450Q.
Identifiers: ClinVar variation 3377034 (VCV003377034.1).

ClinVar aggregate classification (germline): Uncertain significance (1 of 4 stars; one submission).

Conditions:
Alport syndrome. Also called: Hemorrhagic familial nephritis; Hemorrhagic hereditary nephritis; Congenital hereditary hematuria. Identifiers: Orphanet 63, MedGen C1567741, MONDO:0018965.

gnomAD v4.1: 5 of 1,613,966 alleles (0.00031%); highest among the groups gnomAD compares: Admixed American, 0.0017%; no homozygotes.

Submission:

Victorian Clinical Genetics Services, Murdoch Childrens Research Institute
Classification: Uncertain significance for Alport syndrome. Last evaluated: 2024-10-10. Review status: criteria provided, single submitter. Criteria: ACMG Guidelines, 2015. Collection method: clinical testing. Allele origin: germline. Affected: yes.
Comment: Based on the classification scheme VCGS_Germline_v1.3.5, this variant is classified as VUS-3B. Following criteria are met: 0103 - Dominant negative and loss of function are known mechanisms of disease in this gene and are associated with Alport syndrome (MONDO:0018965), COL4A3-related. Glycine changes that are part of a G-X-Y repeat in the triple helix of a collagen domain are known to have a dominant negative effect (PMID: 12028435). (I) 0108 - This gene is associated with both recessive and dominant disease, Alport syndrome 3B (MIM#620536) and Alport syndrome 3A (MIM#104200), respectively (OMIM). (I) 0200 - Variant is predicted to result in a missense amino acid change from arginine to glutamine. (I) 0251 - This variant is heterozygous. (I) 0304 - Variant is present in gnomAD (v4) <0.01 (5 heterozygotes, 0 homozygotes). (SP) 0309 - An alternative amino acid change at the same position has been observed in gnomAD (v4: 1 heterozygote, 0 homozygotes). (I) 0501 - Missense variant consistently predicted to be damaging by multiple in silico tools or highly conserved with a major amino acid change. (SP) 0600 - Variant is located in the annotated C4 domain (DECIPHER). (I) 0705 - No comparable missense variants have previous evidence for pathogenicity. (I) 0809 - Previous evidence of pathogenicity for this variant is inconclusive. This variant has been reported once as a VUS in the Deafness Variation Database. (I) 0905 - No published segregation evidence has been identified for this variant. (I) 1007 - No published functional evidence has been identified for this variant. (I) 1208 - Inheritance information for this variant is not currently available in this individual. (I) Legend: (SP) - Supporting pathogenic, (I) - Information, (SB) - Supporting benign

Literature cited by the submitters: PubMed 12028435.